The following is an entry in ClinVar:

NM_000094.4(COL7A1):c.8165G>T (p.Gly2722Val)

Gene: COL7A1 (collagen type VII alpha 1 chain; minus strand). Cytogenetic location: 3p21.31.
Variant type: single nucleotide variant.
Coding change: c.8165G>T on transcript NM_000094.4 (MANE Select); coding-DNA position 8165, G replaced by T.
Protein change: p.Gly2722Val; replaces glycine 2722 with valine.
Molecular consequence: missense variant.
Genome position (GRCh38, 1-based): chr3:48,566,968, C>A on the plus strand (G>T on the coding strand, the complement: COL7A1 is on the minus strand). VCF-style: chr3-48566968-C-A. GRCh37 (hg19) VCF-style: chr3-48604401-C-A.
Other names: c.8165G>T (NM_000094.3); short protein forms G2722V.
Identifiers: ClinVar variation 1047950 (VCV001047950.5), dbSNP rs759949767, ClinGen allele CA352639904.

ClinVar aggregate classification (germline): Pathogenic. Review status: criteria provided, multiple submitters, no conflicts (2 of 4 stars). 3 submissions from 3 submitters: Pathogenic (3). Last evaluated 2022-12-25.

Conditions:
Epidermolysis bullosa dystrophica. Also called: Dystrophic epidermolysis bullosa, Hallopeau-Siemens type (formerly); Dystrophic epidermolysis bullosa. Identifiers: Orphanet 303, MedGen C0079294, MONDO:0006543.
COL7A1-related disorder. Also called: COL7A1- related disorders; COL7A1-related condition.

Submissions (3):

Labcorp Genetics (formerly Invitae), Labcorp
Classification: Pathogenic. Last evaluated: 2022-12-25. Review status: criteria provided, single submitter. Criteria: Invitae Variant Classification Sherloc (09022015). Collection method: clinical testing. Allele origin: germline.
Comment: For these reasons, this variant has been classified as Pathogenic. This variant disrupts the triple helix domain of COL7A1. Glycine residues within the Gly-Xaa-Yaa repeats of the triple helix domain are required for the structure and stability of fibrillar collagens (PMID: 7695699, 8218237, 19344236), and variants at these glycine residues in COL7A1 are more frequently observed in individuals with disease than in the general population (PMID: 22058051). However, the clinical significance of this observation remains uncertain since only a limited number of affected individuals have been described to date. Algorithms developed to predict the effect of sequence changes on RNA splicing suggest that this variant may create or strengthen a splice site. Advanced modeling of protein sequence and biophysical properties (such as structural, functional, and spatial information, amino acid conservation, physicochemical variation, residue mobility, and thermodynamic stability) performed at Invitae indicates that this missense variant is expected to disrupt COL7A1 protein function. ClinVar contains an entry for this variant (Variation ID: 1047950). This missense change has been observed in individual(s) with autosomal recessive dystrophic epidermolysis bullosa (PMID: 29427316). This variant is not present in population databases (gnomAD no frequency). This sequence change replaces glycine, which is neutral and non-polar, with valine, which is neutral and non-polar, at codon 2722 of the COL7A1 protein (p.Gly2722Val).

PreventionGenetics, part of Exact Sciences
Classification: Pathogenic for COL7A1-related condition. Last evaluated: 2022-12-21. Review status: criteria provided, single submitter. Criteria: ACMG Guidelines, 2015. Collection method: clinical testing. Allele origin: germline.
Comment: The COL7A1 c.8165G>T variant is predicted to result in the amino acid substitution p.Gly2722Val. This variant has been reported in three patients with dystrophic epidermolysis bullosa, two of which were compound heterozygous for a second pathogenic or potentially pathogenic variant and the third patient in which a second pathogenic variant was not identified (Saeidian et al 2018. PubMed ID: 29427316; Table S1, Cuadrado-Corraleset al. 2010. PubMed ID: 20920254). This variant has not been reported in a large population database, indicating this variant is rare. The amino acid residue p.Gly2722 is within the triple helical domain of the COL7A1 protein. Glycine substitutions within this domain affect the folding and secretion of type VII collagen, and pathogenic variants altering glycine residues have been reported in individuals with COL7A1-related disorders (Dang et al. 2008, PubMed ID: 18558993; Abu Sa'd et al. 2006. PubMed ID: 16439963; Almaani et al. 2011. PubMed ID: 21448560; Vahidnezhad et al. 2017. PubMed ID: 27899325). This variant is interpreted as pathogenic.

Biomedical Innovation Departament, CIEMAT
Classification: Pathogenic for Dystrophic epidermolysis bullosa. Last evaluated: 2018-11-23. Review status: criteria provided, single submitter. Criteria: ACMG Guidelines, 2015. Collection method: research. Allele origin: germline. Affected: yes. Observed: 4 variant alleles.

Literature cited by the submitters: PubMed 7695699 (cited by Labcorp Genetics (formerly Invitae), Labcorp); PubMed 8218237 (cited by Labcorp Genetics (formerly Invitae), Labcorp); PubMed 19344236 (cited by Labcorp Genetics (formerly Invitae), Labcorp); PubMed 22058051 (cited by Labcorp Genetics (formerly Invitae), Labcorp); PubMed 29427316 (cited by Labcorp Genetics (formerly Invitae), Labcorp).